The following is an entry in ClinVar:

NM_000135.4(FANCA):c.1630C>T (p.His544Tyr)

Gene: FANCA (FA complementation group A; minus strand). Cytogenetic location: 16q24.3.
Variant type: single nucleotide variant.
Coding change: c.1630C>T on transcript NM_000135.4 (MANE Select); coding-DNA position 1630, C replaced by T.
Protein change: p.His544Tyr; replaces histidine 544 with tyrosine.
Molecular consequence: missense variant.
Genome position (GRCh38, 1-based): chr16:89,779,954, G>A on the plus strand (C>T on the coding strand, the complement: FANCA is on the minus strand). VCF-style: chr16-89779954-G-A. GRCh37 (hg19) VCF-style: chr16-89846362-G-A.
Other names: c.1630C>T, p.His544Tyr (NM_001286167.3); short protein forms H544Y.
Identifiers: ClinVar variation 4690439 (VCV004690439.1).
Genomic context (GRCh38, chr16:89,779,954, plus strand): 5'-TGTTCCCCGTATGCTCAAACACCATGATGGCCTTTTCAACATCCTGAAGAGCTTGGCTGT[G>A]GGGCTGGTTCCCATACAGGGAGGAAAGGAAAAAGAACAGAGGACTTTAAAGAAAAGACTG-3'
Protein context (NP_000126.2, residues 534-554): LSSAGDITEP[His544Tyr]SQALQDVEKA

ClinVar aggregate classification (germline): Uncertain significance (1 of 4 stars; one submission).

Conditions:
Fanconi anemia (FA). Also called: Fanconi's anemia. Identifiers: Orphanet 84, MedGen C0015625, MeSH D005199, MONDO:0019391.

Submission:

Labcorp Genetics (formerly Invitae), Labcorp
Classification: Uncertain significance for Fanconi anemia. Last evaluated: 2025-09-07. Review status: criteria provided, single submitter. Criteria: Invitae Variant Classification Sherloc (09022015). Collection method: clinical testing. Allele origin: germline.
Comment: This sequence change replaces histidine, which is basic and polar, with tyrosine, which is neutral and polar, at codon 544 of the FANCA protein (p.His544Tyr). This variant is not present in population databases (gnomAD no frequency). This variant has not been reported in the literature in individuals affected with FANCA-related conditions. Invitae Evidence Modeling of protein sequence and biophysical properties (such as structural, functional, and spatial information, amino acid conservation, physicochemical variation, residue mobility, and thermodynamic stability) indicates that this missense variant is not expected to disrupt FANCA protein function with a negative predictive value of 95%. In summary, the available evidence is currently insufficient to determine the role of this variant in disease. Therefore, it has been classified as a Variant of Uncertain Significance.